The following is an entry in ClinVar:

NM_001166114.2(PNPLA6):c.1831C>T (p.Pro611Ser)

Gene: PNPLA6 (patatin like domain 6, lysophospholipase; plus strand). Cytogenetic location: 19p13.2.
Variant type: single nucleotide variant.
Coding change: c.1831C>T on transcript NM_001166114.2 (MANE Select); coding-DNA position 1831, C replaced by T.
Protein change: p.Pro611Ser; replaces proline 611 with serine.
Molecular consequence: missense variant.
Genome position (GRCh38, 1-based): chr19:7,550,314, C>T. VCF-style: chr19-7550314-C-T. GRCh37 (hg19) VCF-style: chr19-7615200-C-T.
Other names: c.1858C>T, p.Pro620Ser (NM_001166111.2); c.1636C>T, p.Pro546Ser (NM_001166112.2); c.1714C>T, p.Pro572Ser (NM_001166113.1, NM_006702.5); short protein forms P611S, P546S, P620S, P572S.
Identifiers: ClinVar variation 1361594 (VCV001361594.8), dbSNP rs775359901, ClinGen allele CA9139951.
Genomic context (GRCh38, chr19:7,550,314, plus strand): 5'-CGGTTTTGAGGCCTTCCTCTTTCATCCCAAGTCTGTTCCTGCAGGATCATGCGCGCACAG[C>T]CCAGTGTGGTGCTGAGTGCGGCGCACACGGTGGCAGCCAGGATGTCGCCCTTCGTGCGCC-3'
Protein context (NP_001159586.1, residues 601-621): SDFYEIMRAQ[Pro611Ser]SVVLSAAHTV

ClinVar aggregate classification (germline): Uncertain significance (1 of 4 stars; one submission).

Conditions:
Hereditary spastic paraplegia 39 (SPG39). Also called: SPASTIC PARAPLEGIA 39, AUTOSOMAL RECESSIVE; Spastic Paraplegia Type 39 (SPG39). Identifiers: Orphanet 139480, MedGen C2677586, MONDO:0012787, OMIM 612020.

Allele frequency attached by ClinVar (database versions not stated): gnomAD exomes below 0.00001; TOPMed below 0.00001; ExAC 0.00001.
gnomAD v4.1: 1 of 1,612,816 alleles (0.000062%); highest among the groups gnomAD compares: Non-Finnish European, 0.000085%; no homozygotes.

Submission:

Labcorp Genetics (formerly Invitae), Labcorp
Classification: Uncertain significance for Hereditary spastic paraplegia 39. Last evaluated: 2022-06-20. Review status: criteria provided, single submitter. Criteria: Invitae Variant Classification Sherloc (09022015). Collection method: clinical testing. Allele origin: germline.
Comment: Algorithms developed to predict the effect of missense changes on protein structure and function are either unavailable or do not agree on the potential impact of this missense change (SIFT: "Tolerated"; PolyPhen-2: "Probably Damaging"; Align-GVGD: "Class C0"). In summary, the available evidence is currently insufficient to determine the role of this variant in disease. Therefore, it has been classified as a Variant of Uncertain Significance. This variant has not been reported in the literature in individuals affected with PNPLA6-related conditions. This variant is present in population databases (rs775359901, gnomAD 0.003%). This sequence change replaces proline, which is neutral and non-polar, with serine, which is neutral and polar, at codon 572 of the PNPLA6 protein (p.Pro572Ser).